The following is an entry in ClinVar:

ClinVar aggregate classification (germline): Uncertain significance (1 of 4 stars; one submission).

Conditions:
Early-infantile DEE. Also called: Early infantile epileptic encephalopathy; Early infantile epileptic encephalopathy with suppression bursts; Ohtahara syndrome. Identifiers: Orphanet 1934, MedGen C0393706, MONDO:0800491.

Allele frequency attached by ClinVar (database versions not stated): gnomAD 0.00001.
gnomAD v4.1: 4 of 1,614,002 alleles (0.00025%); highest among the groups gnomAD compares: African/African-American, 0.0013%; no homozygotes.

Submission:

Labcorp Genetics (formerly Invitae), Labcorp
Classification: Uncertain significance for Early-infantile DEE. Last evaluated: 2023-12-06. Review status: criteria provided, single submitter. Criteria: Invitae Variant Classification Sherloc (09022015). Collection method: clinical testing. Allele origin: germline.
Comment: This sequence change replaces cysteine, which is neutral and slightly polar, with tyrosine, which is neutral and polar, at codon 1444 of the SPTAN1 protein (p.Cys1444Tyr). This variant is not present in population databases (gnomAD no frequency). This variant has not been reported in the literature in individuals affected with SPTAN1-related conditions. Advanced modeling of protein sequence and biophysical properties (such as structural, functional, and spatial information, amino acid conservation, physicochemical variation, residue mobility, and thermodynamic stability) has been performed at Invitae for this missense variant, however the output from this modeling did not meet the statistical confidence thresholds required to predict the impact of this variant on SPTAN1 protein function. In summary, the available evidence is currently insufficient to determine the role of this variant in disease. Therefore, it has been classified as a Variant of Uncertain Significance.

NM_001130438.3(SPTAN1):c.4331G>A (p.Cys1444Tyr)

Gene: SPTAN1 (spectrin alpha, non-erythrocytic 1; plus strand). Cytogenetic location: 9q34.11.
Variant type: single nucleotide variant.
Coding change: c.4331G>A on transcript NM_001130438.3 (MANE Select); coding-DNA position 4331, G replaced by A.
Protein change: p.Cys1444Tyr; replaces cysteine 1444 with tyrosine.
Molecular consequence: missense variant.
Genome position (GRCh38, 1-based): chr9:128,608,036, G>A. VCF-style: chr9-128608036-G-A. GRCh37 (hg19) VCF-style: chr9-131370315-G-A.
Other names: c.4271G>A, p.Cys1424Tyr (NM_001363765.2, NM_001375314.2, NM_001195532.2); c.4331G>A, p.Cys1444Tyr (NM_001375310.1, NM_001375311.2, NM_001375313.1 and 2 more transcripts); c.4367G>A, p.Cys1456Tyr (NM_001375312.2, NM_001375318.1); short protein forms C1456Y, C1444Y, C1424Y.
Identifiers: ClinVar variation 2803577 (VCV002803577.3), dbSNP rs1856115380, ClinGen allele CA375066747.
Genomic context (GRCh38, chr9:128,608,036, plus strand): 5'-ACCAGGAGCGTGCAGACCTGGAGAAGGCCTGGGTTCAGCGCAGGATGATGCTGGATCAGT[G>A]CCTTGAACTGCAGGTGTGTGTGCTCCTGGTTTCTGACCAAGTGTTTCCTTGCTGAAGGGC-3'
Protein context (NP_001123910.1, residues 1434-1454): WVQRRMMLDQ[Cys1444Tyr]LELQLFHRDC